The following is an entry in ClinVar:

ClinVar aggregate classification (germline): Benign/Likely benign. Review status: criteria provided, multiple submitters, no conflicts (2 of 4 stars). 4 submissions from 4 submitters: Benign (2); Likely benign (2). Last evaluated 2026-01-25.

Allele frequency attached by ClinVar (database versions not stated): 1000 Genomes Project 30x 0.00125; 1000 Genomes Project 0.00140; ExAC 0.00292; gnomAD exomes 0.00325 and 0.00603; gnomAD 0.00350 and 0.00381; TOPMed 0.00374; ESP Exome Variant Server 0.00423.
gnomAD v4.1: 9,284 of 1,614,148 alleles (0.58%); highest among the groups gnomAD compares: Non-Finnish European, 0.72%; 38 homozygotes.

Submissions (4):

Labcorp Genetics (formerly Invitae), Labcorp
Classification: Benign. Last evaluated: 2026-01-25. Review status: criteria provided, single submitter. Criteria: Invitae Variant Classification Sherloc (09022015). Collection method: clinical testing. Allele origin: germline.

CeGaT Center for Human Genetics Tuebingen
Classification: Likely benign. Last evaluated: 2025-09-01. Review status: criteria provided, single submitter. Criteria: CeGaT Center For Human Genetics Tuebingen Variant Classification Criteria Version 2. Collection method: clinical testing. Allele origin: germline. Affected: yes. Observed: 3 variant alleles.
Comment: COL27A1: BP4, BP7, BS2

Blueprint Genetics
Classification: Likely benign. Last evaluated: 2024-11-26. Review status: criteria provided, single submitter. Criteria: ACMG Guidelines, 2015. Collection method: clinical testing. Allele origin: germline.

Breakthrough Genomics
Classification: Benign. Review status: criteria provided, single submitter. Criteria: ACMG Guidelines, 2015. Collection method: not provided. Allele origin: germline. Inheritance: Autosomal recessive inheritance. Affected: yes.

NM_032888.4(COL27A1):c.5058C>T (p.Pro1686=)

Gene: COL27A1 (collagen type XXVII alpha 1 chain; plus strand). Cytogenetic location: 9q32.
Variant type: single nucleotide variant.
Coding change: c.5058C>T on transcript NM_032888.4 (MANE Select); coding-DNA position 5058, C replaced by T.
Protein change: p.Pro1686=; no amino-acid change (proline 1686 retained).
Molecular consequence: synonymous variant.
Genome position (GRCh38, 1-based): chr9:114,306,639, C>T. VCF-style: chr9-114306639-C-T. GRCh37 (hg19) VCF-style: chr9-117068919-C-T.
Identifiers: ClinVar variation 784510 (VCV000784510.36), dbSNP rs41278651, ClinGen allele CA5203268.